The following is an entry in ClinVar:

ClinVar aggregate classification (germline): Uncertain significance (1 of 4 stars; one submission).

Allele frequency attached by ClinVar (database versions not stated): ExAC 0.00002; gnomAD 0.00002.
gnomAD v4.1: 64 of 1,611,598 alleles (0.004%); highest among the groups gnomAD compares: Middle Eastern, 0.017%; no homozygotes.

Submission:

Labcorp Genetics (formerly Invitae), Labcorp
Classification: Uncertain significance. Last evaluated: 2024-10-16. Review status: criteria provided, single submitter. Criteria: Invitae Variant Classification Sherloc (09022015). Collection method: clinical testing. Allele origin: germline.
Comment: This sequence change replaces proline, which is neutral and non-polar, with glutamine, which is neutral and polar, at codon 20 of the NAXE protein (p.Pro20Gln). The frequency data for this variant in the population databases is considered unreliable, as metrics indicate poor data quality at this position in the gnomAD database. This variant has not been reported in the literature in individuals affected with NAXE-related conditions. ClinVar contains an entry for this variant (Variation ID: 2178134). An algorithm developed to predict the effect of missense changes on protein structure and function outputs the following: PolyPhen-2: "Probably Damaging". The glutamine amino acid residue is found in multiple mammalian species, which suggests that this missense change does not adversely affect protein function. In summary, the available evidence is currently insufficient to determine the role of this variant in disease. Therefore, it has been classified as a Variant of Uncertain Significance.

NM_144772.3(NAXE):c.59C>A (p.Pro20Gln)

Gene: NAXE (NAD(P)HX epimerase; plus strand). Cytogenetic location: 1q22.
Variant type: single nucleotide variant.
Coding change: c.59C>A on transcript NM_144772.3 (MANE Select); coding-DNA position 59, C replaced by A.
Protein change: p.Pro20Gln; replaces proline 20 with glutamine.
Molecular consequence: missense variant.
Genome position (GRCh38, 1-based): chr1:156,591,863, C>A. VCF-style: chr1-156591863-C-A. GRCh37 (hg19) VCF-style: chr1-156561655-C-A.
Other names: short protein forms P20Q.
Identifiers: ClinVar variation 2178134 (VCV002178134.4), dbSNP rs769744746, ClinGen allele CA1162633.